The following is an entry in ClinVar:

NM_014633.5(CTR9):c.1315C>G (p.Arg439Gly)

Genes: CTR9 (CTR9 component of Paf1/RNA polymerase II complex; plus strand), LOC126861140 (CDK7 strongly-dependent group 2 enhancer GRCh37_chr11:10785333-10786532; plus strand). Cytogenetic location: 11p15.4.
Variant type: single nucleotide variant.
Coding change: c.1315C>G on transcript NM_014633.5 (MANE Select); coding-DNA position 1315, C replaced by G.
Protein change: p.Arg439Gly; replaces arginine 439 with glycine.
Molecular consequence: missense variant.
Genome position (GRCh38, 1-based): chr11:10,764,338, C>G. VCF-style: chr11-10764338-C-G. GRCh37 (hg19) VCF-style: chr11-10785885-C-G.
Other names: c.1315C>G, p.Arg439Gly (NM_001346279.2); short protein forms R439G.
Identifiers: ClinVar variation 3712027 (VCV003712027.2).

ClinVar aggregate classification (germline): Uncertain significance (1 of 4 stars; one submission).

gnomAD v4.1: 6 of 1,613,936 alleles (0.00037%); no homozygotes.

Submission:

Labcorp Genetics (formerly Invitae), Labcorp
Classification: Uncertain significance. Last evaluated: 2024-10-23. Review status: criteria provided, single submitter. Criteria: Invitae Variant Classification Sherloc (09022015). Collection method: clinical testing. Allele origin: germline.
Comment: This sequence change replaces arginine, which is basic and polar, with glycine, which is neutral and non-polar, at codon 439 of the CTR9 protein (p.Arg439Gly). This variant is present in population databases (no rsID available, gnomAD 0.01%). This variant has not been reported in the literature in individuals affected with CTR9-related conditions. An algorithm developed to predict the effect of missense changes on protein structure and function (PolyPhen-2) suggests that this variant is likely to be tolerated. In summary, the available evidence is currently insufficient to determine the role of this variant in disease. Therefore, it has been classified as a Variant of Uncertain Significance.